The following is an entry in ClinVar:

NM_001851.6(COL9A1):c.876+1G>C

Gene: COL9A1 (collagen type IX alpha 1 chain; minus strand). Cytogenetic location: 6q13.
Variant type: single nucleotide variant.
Coding change: c.876+1G>C on transcript NM_001851.6 (MANE Select); the canonical splice donor site of the intron after coding-DNA position 876, G replaced by C.
Molecular consequence: splice donor variant.
Genome position (GRCh38, 1-based): chr6:70,281,389, C>G on the plus strand (G>C on the coding strand, the complement: COL9A1 is on the minus strand). VCF-style: chr6-70281389-C-G. GRCh37 (hg19) VCF-style: chr6-70991092-C-G.
Other names: c.147+1G>C (NM_001377290.1, NM_078485.4, NM_001377289.1); c.876+1G>C (NM_001377291.1).
Identifiers: ClinVar variation 452676 (VCV000452676.23), dbSNP rs202232444, ClinGen allele CA3882633.

ClinVar aggregate classification (germline): Conflicting classifications of pathogenicity. Review status: criteria provided, conflicting classifications (1 of 4 stars). 5 submissions from 5 submitters: Likely pathogenic (2); Uncertain significance (3). Last evaluated 2026-01-11.

Conditions:
Inborn genetic diseases. Identifiers: MedGen C0950123, MeSH D030342.

Allele frequency attached by ClinVar (database versions not stated): ExAC 0.00003; gnomAD 0.00003; gnomAD exomes 0.00003.
gnomAD v4.1: 133 of 1,612,096 alleles (0.0083%); highest among the groups gnomAD compares: Non-Finnish European, 0.011%; no homozygotes.

Submissions (5):

Labcorp Genetics (formerly Invitae), Labcorp
Classification: Likely pathogenic. Last evaluated: 2026-01-11. Review status: criteria provided, single submitter. Criteria: Invitae Variant Classification Sherloc (09022015). Collection method: clinical testing. Allele origin: germline.
Comment: This sequence change affects a donor splice site in intron 8 of the COL9A1 gene. It is expected to disrupt RNA splicing. Variants that disrupt the donor or acceptor splice site typically lead to a loss of protein function (PMID: 16199547), and loss-of-function variants in COL9A1 are known to be pathogenic (PMID: 16909383, 21421862). This variant is present in population databases (rs202232444, gnomAD 0.009%). This variant has not been reported in the literature in individuals affected with COL9A1-related conditions. ClinVar contains an entry for this variant (Variation ID: 452676). Algorithms developed to predict the effect of sequence changes on RNA splicing suggest that this variant may disrupt the consensus splice site. In summary, the currently available evidence indicates that the variant is pathogenic, but additional data are needed to prove that conclusively. Therefore, this variant has been classified as Likely Pathogenic.

Blueprint Genetics
Classification: Uncertain significance. Last evaluated: 2021-10-22. Review status: criteria provided, single submitter. Criteria: ACMG Guidelines, 2015. Collection method: clinical testing. Allele origin: germline.

ARUP Laboratories, Molecular Genetics and Genomics, ARUP Laboratories
Classification: Uncertain significance. Last evaluated: 2020-04-30. Review status: criteria provided, single submitter. Criteria: ARUP Molecular Germline Variant Investigation Process. Collection method: clinical testing. Allele origin: germline.

GeneDx
Classification: Uncertain significance. Last evaluated: 2020-04-22. Review status: criteria provided, single submitter. Criteria: GeneDx Variant Classification Process June 2021. Collection method: clinical testing. Allele origin: germline. Affected: yes.
Comment: Has not been previously published as pathogenic or benign to our knowledge; Canonical splice site variant expected to result in aberrant splicing, although in the absence of functional evidence the actual effect of this sequence change is unknown

Ambry Genetics
Classification: Likely pathogenic for Inborn genetic diseases. Last evaluated: 2015-06-16. Review status: criteria provided, single submitter. Criteria: Ambry exome assertion method (8-5-2015). Collection method: clinical testing. Allele origin: germline. Affected: yes. Observed: 1 variant allele.

Literature cited by the submitters: PubMed 16199547 (cited by Labcorp Genetics (formerly Invitae), Labcorp); PubMed 16909383 (cited by Labcorp Genetics (formerly Invitae), Labcorp); PubMed 21421862 (cited by Labcorp Genetics (formerly Invitae), Labcorp).